The following is an entry in ClinVar:

ClinVar aggregate classification (germline): Uncertain significance (1 of 4 stars; one submission).

Submission:

Ambry Genetics
Classification: Uncertain significance. Last evaluated: 2022-12-31. Review status: criteria provided, single submitter. Criteria: Ambry Variant Classification Scheme 2023. Collection method: clinical testing. Allele origin: germline.
Comment: The p.M95T variant (also known as c.284T>C), located in coding exon 3 of the ALPK2 gene, results from a T to C substitution at nucleotide position 284. The methionine at codon 95 is replaced by threonine, an amino acid with similar properties. This amino acid position is conserved. In addition, this alteration is predicted to be tolerated by in silico analysis. Since supporting evidence is limited at this time, the clinical significance of this alteration remains unclear.

NM_052947.4(ALPK2):c.284T>C (p.Met95Thr)

Gene: ALPK2 (alpha kinase 2; minus strand). Cytogenetic location: 18q21.31.
Variant type: single nucleotide variant.
Coding change: c.284T>C on transcript NM_052947.4 (MANE Select); coding-DNA position 284, T replaced by C.
Protein change: p.Met95Thr; replaces methionine 95 with threonine.
Molecular consequence: missense variant.
Genome position (GRCh38, 1-based): chr18:58,580,492, A>G on the plus strand (T>C on the coding strand, the complement: ALPK2 is on the minus strand). VCF-style: chr18-58580492-A-G. GRCh37 (hg19) VCF-style: chr18-56247724-A-G.
Other names: short protein forms M95T.
Identifiers: ClinVar variation 2449248 (VCV002449248.2), dbSNP rs2518900442, ClinGen allele CA402568319.